The following is an entry in ClinVar:

NM_001205293.3(CACNA1E):c.3422C>T (p.Pro1141Leu)

Gene: CACNA1E (calcium voltage-gated channel subunit alpha1 E; plus strand). Cytogenetic location: 1q25.3.
Variant type: single nucleotide variant.
Coding change: c.3422C>T on transcript NM_001205293.3 (MANE Select); coding-DNA position 3422, C replaced by T.
Protein change: p.Pro1141Leu; replaces proline 1141 with leucine.
Molecular consequence: missense variant.
Genome position (GRCh38, 1-based): chr1:181,736,434, C>T. VCF-style: chr1-181736434-C-T. GRCh37 (hg19) VCF-style: chr1-181705570-C-T.
Other names: c.3422C>T, p.Pro1141Leu (NM_000721.4); c.3365C>T, p.Pro1122Leu (NM_001205294.2); short protein forms P1122L, P1141L.
Identifiers: ClinVar variation 2503133 (VCV002503133.1), dbSNP rs2102576131, ClinGen allele CA343621792.

ClinVar aggregate classification (germline): Uncertain significance (1 of 4 stars; one submission).

Allele frequency attached by ClinVar (database versions not stated): gnomAD exomes below 0.00001.
gnomAD v4.1: 4 of 1,611,436 alleles (0.00025%); highest among the groups gnomAD compares: Non-Finnish European, 0.00034%; no homozygotes.

Submission:

GeneDx
Classification: Uncertain significance. Last evaluated: 2022-11-23. Review status: criteria provided, single submitter. Criteria: GeneDx Variant Classification Process June 2021. Collection method: clinical testing. Allele origin: germline. Affected: yes.
Comment: De novo variant in a patient with autism spectrum disorder in published literature, but additional clinical information was not included (Satterstrom et al., 2020); Not observed at significant frequency in large population cohorts (gnomAD); In silico analysis supports that this missense variant has a deleterious effect on protein structure/function; This variant is associated with the following publications: (PMID: 31981491)